The following is an entry in ClinVar:

ClinVar aggregate classification (germline): Uncertain significance (1 of 4 stars; one submission).

Conditions:
Charcot-Marie-Tooth disease type 1C. Also called: HMSN IC; Charcot-Marie-Tooth disease, type IC; CHARCOT-MARIE-TOOTH DISEASE, DEMYELINATING, TYPE 1C; CMT, SLOW NERVE CONDUCTION TYPE C; CHARCOT-MARIE-TOOTH NEUROPATHY, TYPE 1C; NEUROPATHY, HEREDITARY MOTOR AND SENSORY, TYPE IC. Identifiers: Orphanet 101083, MedGen C0270913, MONDO:0010995, OMIM 601098.

Allele frequency attached by ClinVar (database versions not stated): gnomAD exomes below 0.00001; TOPMed below 0.00001.
gnomAD v4.1: 2 of 1,614,178 alleles (0.00012%); highest among the groups gnomAD compares: Non-Finnish European, 0.00017%; no homozygotes.

Submission:

Labcorp Genetics (formerly Invitae), Labcorp
Classification: Uncertain significance for Charcot-Marie-Tooth disease type 1C. Last evaluated: 2025-02-17. Review status: criteria provided, single submitter. Criteria: Invitae Variant Classification Sherloc (09022015). Collection method: clinical testing. Allele origin: germline.
Comment: This sequence change replaces alanine, which is neutral and non-polar, with serine, which is neutral and polar, at codon 16 of the LITAF protein (p.Ala16Ser). This variant is not present in population databases (gnomAD no frequency). This variant has not been reported in the literature in individuals affected with LITAF-related conditions. ClinVar contains an entry for this variant (Variation ID: 1052564). An algorithm developed to predict the effect of missense changes on protein structure and function (PolyPhen-2) suggests that this variant is likely to be tolerated. In summary, the available evidence is currently insufficient to determine the role of this variant in disease. Therefore, it has been classified as a Variant of Uncertain Significance.

NM_001136472.2(LITAF):c.46G>T (p.Ala16Ser)

Gene: LITAF (lipopolysaccharide induced TNF factor; minus strand). Cytogenetic location: 16p13.13.
Variant type: single nucleotide variant.
Coding change: c.46G>T on transcript NM_001136472.2 (MANE Select); coding-DNA position 46, G replaced by T.
Protein change: p.Ala16Ser; replaces alanine 16 with serine.
Molecular consequence: missense variant. On other transcripts: non-coding transcript variant (1).
Genome position (GRCh38, 1-based): chr16:11,556,685, C>A on the plus strand (G>T on the coding strand, the complement: LITAF is on the minus strand). VCF-style: chr16-11556685-C-A. GRCh37 (hg19) VCF-style: chr16-11650541-C-A.
Other names: c.46G>T, p.Ala16Ser (NM_001136473.1, NM_004862.4); short protein forms A16S.
Identifiers: ClinVar variation 1052564 (VCV001052564.9), dbSNP rs2064275795, ClinGen allele CA394768746.